The following is an entry in ClinVar:

NM_024675.4(PALB2):c.1786G>T (p.Gly596Ter)

Gene: PALB2 (partner and localizer of BRCA2; minus strand). Cytogenetic location: 16p12.2.
Variant type: single nucleotide variant.
Coding change: c.1786G>T on transcript NM_024675.4 (MANE Select); coding-DNA position 1786, G replaced by T.
Protein change: p.Gly596Ter; replaces glycine 596 with a stop codon.
Molecular consequence: nonsense.
Genome position (GRCh38, 1-based): chr16:23,630,368, C>A on the plus strand (G>T on the coding strand, the complement: PALB2 is on the minus strand). VCF-style: chr16-23630368-C-A. GRCh37 (hg19) VCF-style: chr16-23641689-C-A.
Other names: short protein forms G596*.
Identifiers: ClinVar variation 830145 (VCV000830145.14), dbSNP rs1966866081, ClinGen allele CA395128111.
Genomic context (GRCh38, chr16:23,630,368, plus strand): 5'-CAGGTAACTGAAAGTCTGTGATACTGAGAAAAGACAGTAGTTGCTTTAAACTCAGCATTC[C>A]ATCCCTATGAAATGGAGCCGTGAAAGCATCATCATCCAAGGATAAATAAGCACTATTACT-3'

ClinVar aggregate classification (germline): Pathogenic. Review status: criteria provided, multiple submitters, no conflicts (2 of 4 stars). 4 submissions from 4 submitters: Pathogenic (3). 1 of the submissions does not count toward it. Last evaluated 2024-10-12.

Conditions:
Familial cancer of breast. Also called: BREAST CANCER, FAMILIAL; Hereditary breast cancer; hereditary breast carcinoma. Identifiers: Orphanet 227535, MedGen C0346153, MONDO:0016419, OMIM 114480. Disease mechanism: loss of function.

Submissions (4):

Labcorp Genetics (formerly Invitae), Labcorp
Classification: Pathogenic for Familial cancer of breast. Last evaluated: 2024-10-12. Review status: criteria provided, single submitter. Criteria: Invitae Variant Classification Sherloc (09022015). Collection method: clinical testing. Allele origin: germline.
Comment: This sequence change creates a premature translational stop signal (p.Gly596*) in the PALB2 gene. It is expected to result in an absent or disrupted protein product. Loss-of-function variants in PALB2 are known to be pathogenic (PMID: 17200668, 17200671, 17200672, 24136930, 25099575). This variant is not present in population databases (gnomAD no frequency). This premature translational stop signal has been observed in individual(s) with breast cancer (PMID: 24415441). ClinVar contains an entry for this variant (Variation ID: 830145). For these reasons, this variant has been classified as Pathogenic.

GeneDx
Classification: Pathogenic. Last evaluated: 2023-12-13. Review status: criteria provided, single submitter. Criteria: GeneDx Variant Classification Process June 2021. Collection method: clinical testing. Allele origin: germline. Affected: yes.
Comment: Nonsense variant predicted to result in protein truncation or nonsense mediated decay in a gene for which loss of function is a known mechanism of disease; Observed in a patient with breast cancer (PMID: 24415441); Not observed at significant frequency in large population cohorts (gnomAD); Truncating variants in this gene are considered pathogenic by a well-established clinical consortium and/or database; This variant is associated with the following publications: (PMID: 24415441)

Myriad Genetics, Inc.
Classification: Pathogenic for Familial cancer of breast. Last evaluated: 2023-05-05. Review status: criteria provided, single submitter. Criteria: Myriad Autosomal Dominant, Autosomal Recessive and X-Linked Classification Criteria (2023). Collection method: clinical testing. Allele origin: unknown.
Comment: This variant is considered pathogenic. This variant creates a termination codon and is predicted to result in premature protein truncation.

Leiden Open Variation Database
Classification: Pathogenic for Familial cancer of breast. Last evaluated: 2019-05-13. Review status: no assertion criteria provided. Collection method: curation. Allele origin: germline. Affected: yes. Not counted in ClinVar's aggregate classification.
Comment: Curators: Marc Tischkowitz, Arleen D. Auerbach. Submitter to LOVD: Marc Tischkowitz.

Literature cited by the submitters: PubMed 17200668 (cited by Labcorp Genetics (formerly Invitae), Labcorp); PubMed 17200671 (cited by Labcorp Genetics (formerly Invitae), Labcorp); PubMed 17200672 (cited by Labcorp Genetics (formerly Invitae), Labcorp); PubMed 24136930 (cited by Labcorp Genetics (formerly Invitae), Labcorp); PubMed 25099575 (cited by Labcorp Genetics (formerly Invitae), Labcorp); PubMed 24415441 (cited by Labcorp Genetics (formerly Invitae), Labcorp and Leiden Open Variation Database).